The following is an entry in ClinVar:

NM_000135.4(FANCA):c.800T>G (p.Val267Gly)

Gene: FANCA (FA complementation group A; minus strand). Cytogenetic location: 16q24.3.
Variant type: single nucleotide variant.
Coding change: c.800T>G on transcript NM_000135.4 (MANE Select); coding-DNA position 800, T replaced by G.
Protein change: p.Val267Gly; replaces valine 267 with glycine.
Molecular consequence: missense variant.
Genome position (GRCh38, 1-based): chr16:89,799,631, A>C on the plus strand (T>G on the coding strand, the complement: FANCA is on the minus strand). VCF-style: chr16-89799631-A-C. GRCh37 (hg19) VCF-style: chr16-89866039-A-C.
Other names: c.800T>G, p.Val267Gly (NM_001018112.3, NM_001286167.3); c.704T>G, p.Val235Gly (NM_001351830.2); short protein forms V267G, V235G.
Identifiers: ClinVar variation 3848041 (VCV003848041.1).

ClinVar aggregate classification (germline): Uncertain significance (1 of 4 stars; one submission).

Conditions:
Inborn genetic diseases. Identifiers: MedGen C0950123, MeSH D030342.

Submission:

Ambry Genetics
Classification: Uncertain significance for Inborn genetic diseases. Last evaluated: 2024-12-20. Review status: criteria provided, single submitter. Criteria: Ambry Variant Classification Scheme 2023. Collection method: clinical testing. Allele origin: germline.
Comment: The p.V267G variant (also known as c.800T>G), located in coding exon 9 of the FANCA gene, results from a T to G substitution at nucleotide position 800. The valine at codon 267 is replaced by glycine, an amino acid with dissimilar properties. This amino acid position is conserved. In addition, this alteration is predicted to be tolerated by in silico analysis. Based on the available evidence, the clinical significance of this variant remains unclear.